The following is an entry in ClinVar:

NC_000011.10:g.107788298_107799502dup

Gene: SLC35F2 (solute carrier family 35 member F2; minus strand). Cytogenetic location: 11q22.3.
Variant type: Duplication.
Identifiers: ClinVar variation 157226 (VCV000157226.2).

ClinVar aggregate classification (germline): not provided (0 of 4 stars; one submission).

Conditions:
Gestational diabetes mellitus uncontrolled. Identifiers: MedGen C3532257.

Submission:

Institute of Molecular and Cell Biology, University of Tartu
No classification provided. Condition: Gestational diabetes mellitus uncontrolled. Review status: no classification provided. Collection method: case-control. Allele origin: unknown. Affected: yes. Study: Kasak2014.
Comment: The study aimed to determine the contribution of copy number variants in the genetic etiology of normal and complicated pregnancies. The samples represented (i) maternal blood DNA drawn from healthy pregnant women during 1st or 2nd trimester and (ii) maternal and paternal blood DNA drawn at term pregnancy cases representing normal and complicated gestations (severe preeclampsia, PE; gestational diabetes, GD; small-for-gestational age newborn, SGA; large-for-gestational age newborn, LGA). We performed CNV calling based on genome-wide genotyping dataset (Illumina HumanOmniExpress-24-v1 BeadChip) by applying three algorithms, QuantiSNP, GADA (Genome Alteration Detection Algorithm) and CNstream in parallel. The acquired CNV calls were merged with HD-CNV (Hotspot Detector for Copy Number Variants) program and only the CNVs predicted by at least two programs, were considered in subsequent analysis.

Literature cited by the submitters: PubMed 25666259.